The following is an entry in ClinVar:

NM_002439.5(MSH3):c.1027G>C (p.Asp343His)

Genes: MSH3 (mutS homolog 3; plus strand), LOC126807437 (MED14-independent group 3 enhancer GRCh37_chr5:79968379-79969578; plus strand). Cytogenetic location: 5q14.1.
Variant type: single nucleotide variant.
Coding change: c.1027G>C on transcript NM_002439.5 (MANE Select); coding-DNA position 1027, G replaced by C.
Protein change: p.Asp343His; replaces aspartic acid 343 with histidine.
Molecular consequence: missense variant.
Genome position (GRCh38, 1-based): chr5:80,672,858, G>C. VCF-style: chr5-80672858-G-C. GRCh37 (hg19) VCF-style: chr5-79968677-G-C.
Other names: short protein forms D343H.
Identifiers: ClinVar variation 4730070 (VCV004730070.1).

ClinVar aggregate classification (germline): Uncertain significance (1 of 4 stars; one submission).

Submission:

Labcorp Genetics (formerly Invitae), Labcorp
Classification: Uncertain significance. Last evaluated: 2025-10-28. Review status: criteria provided, single submitter. Criteria: Invitae Variant Classification Sherloc (09022015). Collection method: clinical testing. Allele origin: germline.
Comment: This sequence change replaces aspartic acid, which is acidic and polar, with histidine, which is basic and polar, at codon 343 of the MSH3 protein (p.Asp343His). This variant also falls at the last nucleotide of exon 6, which is part of the consensus splice site for this exon. This variant is not present in population databases (gnomAD no frequency). This variant has not been reported in the literature in individuals affected with MSH3-related conditions. An algorithm developed to predict the effect of missense changes on protein structure and function (PolyPhen-2) suggests that this variant is likely to be disruptive. Variants that disrupt the consensus splice site are a relatively common cause of aberrant splicing (PMID: 17576681, 9536098). In summary, the available evidence is currently insufficient to determine the role of this variant in disease. Therefore, it has been classified as a Variant of Uncertain Significance.

Literature cited by the submitters: PubMed 17576681; PubMed 9536098.